The following is an entry in ClinVar:

ClinVar aggregate classification (germline): Uncertain significance (1 of 4 stars; one submission).

Conditions:
Inborn genetic diseases. Identifiers: MedGen C0950123, MeSH D030342.

Submission:

Ambry Genetics
Classification: Uncertain significance for Inborn genetic diseases. Last evaluated: 2023-03-06. Review status: criteria provided, single submitter. Criteria: Ambry Variant Classification Scheme 2023. Collection method: clinical testing. Allele origin: germline.
Comment: The p.V121M variant (also known as c.361G>A), located in coding exon 4 of the MDH2 gene, results from a G to A substitution at nucleotide position 361. The valine at codon 121 is replaced by methionine, an amino acid with highly similar properties. This amino acid position is conserved. In addition, this alteration is predicted to be deleterious by in silico analysis. Since supporting evidence is limited at this time, the clinical significance of this alteration remains unclear.

NM_005918.4(MDH2):c.361G>A (p.Val121Met)

Gene: MDH2 (malate dehydrogenase 2; plus strand). Cytogenetic location: 7q11.23.
Variant type: single nucleotide variant.
Coding change: c.361G>A on transcript NM_005918.4 (MANE Select); coding-DNA position 361, G replaced by A.
Protein change: p.Val121Met; replaces valine 121 with methionine.
Molecular consequence: missense variant.
Genome position (GRCh38, 1-based): chr7:76,058,010, G>A. VCF-style: chr7-76058010-G-A. GRCh37 (hg19) VCF-style: chr7-75687328-G-A.
Other names: c.361G>A, p.Val121Met (NM_001282403.2); c.40G>A, p.Val14Met (NM_001282404.2); short protein forms V121M, V14M.
Identifiers: ClinVar variation 2447849 (VCV002447849.2), dbSNP rs2535859770, ClinGen allele CA367764229.